The following is an entry in ClinVar:

NM_007194.4(CHEK2):c.1246dup (p.Ile416fs)

Gene: CHEK2 (checkpoint kinase 2; minus strand). Cytogenetic location: 22q12.1.
Variant type: Duplication.
Coding change: c.1246dup on transcript NM_007194.4 (MANE Select); coding-DNA position 1246, one base duplicated (A; older notation c.1246dupA).
Protein change: p.Ile416fs; shifts the reading frame from isoleucine 416.
Molecular consequence: frameshift variant.
Genome position (GRCh38, 1-based): chr22:28,695,723, T duplicated on the plus strand (A on the coding strand, the reverse complement: CHEK2 is on the minus strand). VCF-style (leftmost placement, unchanged base first): chr22-28695722-A-AT. GRCh37 (hg19) VCF-style: chr22-29091710-A-AT.
Other names: c.1045dup, p.Ile349Asnfs (NM_001349956.3); c.1159dup, p.Ile387Asnfs (NM_145862.3); c.1375dup, p.Ile459Asnfs (NM_001005735.3); c.583dup, p.Ile195Asnfs (NM_001257387.3); short protein forms I195fs, I349fs, I387fs, I416fs, I459fs.
Identifiers: ClinVar variation 1074849 (VCV001074849.10), dbSNP rs2145801350, ClinGen allele CA2499226062.
Genomic context (GRCh38, chr22:28,695,722, plus strand): 5'-ATCTAATCACCTCCTACCAGTCTGTGCAGCAATGAAAATATTTCTTACCAGATAAAAAGA[A>AT]TAACTCCTAAACTCCAGCAGTCCACAGCACGGTTATACCCAGCAGTCCCAACAGAAACAA-3'

ClinVar aggregate classification (germline): Pathogenic. Review status: criteria provided, multiple submitters, no conflicts (2 of 4 stars). 2 submissions from 2 submitters: Pathogenic (2). Last evaluated 2025-03-23.

Conditions:
Familial cancer of breast. Also called: hereditary breast carcinoma; Hereditary breast cancer; BREAST CANCER, FAMILIAL. Identifiers: Orphanet 227535, MedGen C0346153, MONDO:0016419, OMIM 114480. Disease mechanism: loss of function.

Submissions (2):

Labcorp Genetics (formerly Invitae), Labcorp
Classification: Pathogenic for Familial cancer of breast. Last evaluated: 2025-03-23. Review status: criteria provided, single submitter. Criteria: Invitae Variant Classification Sherloc (09022015). Collection method: clinical testing. Allele origin: germline.
Comment: This sequence change creates a premature translational stop signal (p.Ile416Asnfs*7) in the CHEK2 gene. It is expected to result in an absent or disrupted protein product. Loss-of-function variants in CHEK2 are known to be pathogenic (PMID: 21876083, 24713400). This variant is not present in population databases (gnomAD no frequency). This variant has not been reported in the literature in individuals affected with CHEK2-related conditions. ClinVar contains an entry for this variant (Variation ID: 1074849). For these reasons, this variant has been classified as Pathogenic.

Myriad Genetics, Inc.
Classification: Pathogenic for Familial cancer of breast. Last evaluated: 2023-06-28. Review status: criteria provided, single submitter. Criteria: Myriad Autosomal Dominant, Autosomal Recessive and X-Linked Classification Criteria (2023). Collection method: clinical testing. Allele origin: unknown.
Comment: This variant is considered pathogenic. This variant creates a frameshift predicted to result in premature protein truncation.

Literature cited by the submitters: PubMed 21876083 (cited by Labcorp Genetics (formerly Invitae), Labcorp); PubMed 24713400 (cited by Labcorp Genetics (formerly Invitae), Labcorp).